The following is an entry in ClinVar:

ClinVar aggregate classification (germline): Uncertain significance (1 of 4 stars; one submission).

Conditions:
Inborn genetic diseases. Identifiers: MedGen C0950123, MeSH D030342.

Submission:

Ambry Genetics
Classification: Uncertain significance for Inborn genetic diseases. Last evaluated: 2024-11-25. Review status: criteria provided, single submitter. Criteria: Ambry Variant Classification Scheme 2023. Collection method: clinical testing. Allele origin: germline.
Comment: The p.S1122N variant (also known as c.3365G>A), located in coding exon 15 of the MECOM gene, results from a G to A substitution at nucleotide position 3365. The serine at codon 1122 is replaced by asparagine, an amino acid with highly similar properties. This amino acid position is conserved. In addition, this alteration is predicted to be tolerated by in silico analysis. Based on the available evidence, the clinical significance of this variant remains unclear.

NM_004991.4(MECOM):c.3365G>A (p.Ser1122Asn)

Gene: MECOM (MDS1 and EVI1 complex locus; minus strand). Cytogenetic location: 3q26.2.
Variant type: single nucleotide variant.
Coding change: c.3365G>A on transcript NM_004991.4 (MANE Select); coding-DNA position 3365, G replaced by A.
Protein change: p.Ser1122Asn; replaces serine 1122 with asparagine.
Molecular consequence: missense variant.
Genome position (GRCh38, 1-based): chr3:169,090,036, C>T on the plus strand (G>A on the coding strand, the complement: MECOM is on the minus strand). VCF-style: chr3-169090036-C-T. GRCh37 (hg19) VCF-style: chr3-168807824-C-T.
Other names: c.2996G>A, p.Ser999Asn (NM_001105077.4); c.2801G>A, p.Ser934Asn (NM_001105078.4, NM_001205194.2, NM_001366469.2 and 1 more transcripts); c.2777G>A, p.Ser926Asn (NM_001163999.2, NM_001366470.2); c.2774G>A, p.Ser925Asn (NM_001164000.2, NM_001366471.2, NM_001366472.2); c.3338G>A, p.Ser1113Asn (NM_001366466.2); c.2804G>A, p.Ser935Asn (NM_001366467.2, NM_001366468.2); c.2366G>A, p.Ser789Asn (NM_001366473.2); c.1802G>A, p.Ser601Asn (NM_001366474.2); short protein forms S926N, S601N, S925N, S1113N, S1122N, S789N, S934N, S999N.
Identifiers: ClinVar variation 3394306 (VCV003394306.1).